The following is an entry in ClinVar:

ClinVar aggregate classification (germline): Likely benign (1 of 4 stars; one submission).

Submission:

GeneDx
Classification: Likely benign. Last evaluated: 2018-02-23. Review status: criteria provided, single submitter. Criteria: GeneDx Variant Classification (06012015). Collection method: clinical testing. Allele origin: germline. Affected: yes.
Comment: This variant is considered likely benign or benign based on one or more of the following criteria: it is a conservative change, it occurs at a poorly conserved position in the protein, it is predicted to be benign by multiple in silico algorithms, and/or has population frequency not consistent with disease.

NM_002408.4(MGAT2):c.30G>A (p.Val10=)

Gene: MGAT2 (alpha-1,6-mannosyl-glycoprotein 2-beta-N-acetylglucosaminyltransferase; plus strand). Cytogenetic location: 14q21.3.
Variant type: single nucleotide variant.
Coding change: c.30G>A on transcript NM_002408.4 (MANE Select); coding-DNA position 30, G replaced by A.
Protein change: p.Val10=; no amino-acid change (valine 10 retained).
Molecular consequence: synonymous variant.
Genome position (GRCh38, 1-based): chr14:49,621,298, G>A. VCF-style: chr14-49621298-G-A. GRCh37 (hg19) VCF-style: chr14-50088016-G-A.
Identifiers: ClinVar variation 515350 (VCV000515350.1), dbSNP rs1555326995, ClinGen allele CA486349488.